The following is an entry in ClinVar:

NM_152564.5(VPS13B):c.3871-8C>T

Gene: VPS13B (vacuolar protein sorting 13 homolog B; plus strand). Cytogenetic location: 8q22.2.
Variant type: single nucleotide variant.
Coding change: c.3871-8C>T on transcript NM_152564.5 (MANE Select); 8 bases into the intron before coding-DNA position 3871, C replaced by T.
Molecular consequence: intron variant.
Genome position (GRCh38, 1-based): chr8:99,501,679, C>T. VCF-style: chr8-99501679-C-T. GRCh37 (hg19) VCF-style: chr8-100513907-C-T.
Other names: c.3871-8C>T (NM_017890.5, NM_152564.4).
Identifiers: ClinVar variation 1103949 (VCV001103949.9), dbSNP rs371508311, ClinGen allele CA4823367.

ClinVar aggregate classification (germline): Likely benign. Review status: criteria provided, multiple submitters, no conflicts (2 of 4 stars). 3 submissions from 3 submitters: Likely benign (2). 1 of the submissions does not count toward it. Last evaluated 2026-01-19.

Conditions:
VPS13B-related disorder. Also called: VPS13B-related condition.
Cohen syndrome (COH1). Also called: Cutis verticis gyrata, retinitis pigmentosa, and sensorineural deafness; PEPPER SYNDROME. Identifiers: Orphanet 193, MedGen C0265223, MONDO:0008999, OMIM 216550.

Allele frequency attached by ClinVar (database versions not stated): ExAC 0.00002; gnomAD 0.00003; ESP Exome Variant Server 0.00015; 1000 Genomes Project 0.00020; 1000 Genomes Project 30x 0.00031.

Submissions (3):

Labcorp Genetics (formerly Invitae), Labcorp
Classification: Likely benign for Cohen syndrome. Last evaluated: 2026-01-19. Review status: criteria provided, single submitter. Criteria: Invitae Variant Classification Sherloc (09022015). Collection method: clinical testing. Allele origin: germline.

Blueprint Genetics
Classification: Likely benign. Last evaluated: 2019-12-02. Review status: criteria provided, single submitter. Criteria: ACMG Guidelines, 2015. Collection method: clinical testing. Allele origin: germline.

PreventionGenetics, part of Exact Sciences
Classification: Likely benign for VPS13B-related condition. Last evaluated: 2024-05-28. Review status: no assertion criteria provided. Collection method: clinical testing. Allele origin: germline. Not counted in ClinVar's aggregate classification.
Comment: This variant is classified as likely benign based on ACMG/AMP sequence variant interpretation guidelines (Richards et al. 2015 PMID: 25741868, with internal and published modifications).